The following is an entry in ClinVar:

ClinVar aggregate classification (germline): Likely benign. Review status: criteria provided, single submitter (1 of 4 stars). 2 submissions from 2 submitters: Likely benign (1). 1 of the submissions does not count toward it. Last evaluated 2024-06-01.

Conditions:
TAF13-related disorder. Also called: TAF13-related condition.

Allele frequency attached by ClinVar (database versions not stated): ExAC 0.00001; gnomAD 0.00001; gnomAD exomes 0.00001; TOPMed 0.00001; 1000 Genomes Project 30x 0.00016; 1000 Genomes Project 0.00020.
gnomAD v4.1: 13 of 1,614,232 alleles (0.00081%); highest among the groups gnomAD compares: African/African-American, 0.016%; no homozygotes.

Submissions (2):

CeGaT Center for Human Genetics Tuebingen
Classification: Likely benign. Last evaluated: 2024-06-01. Review status: criteria provided, single submitter. Criteria: CeGaT Center For Human Genetics Tuebingen Variant Classification Criteria Version 2. Collection method: clinical testing. Allele origin: germline. Affected: yes. Observed: 2 variant alleles.
Comment: TAF13: BP4, BP7

PreventionGenetics, part of Exact Sciences
Classification: Likely benign for TAF13-related condition. Last evaluated: 2019-03-14. Review status: no assertion criteria provided. Collection method: clinical testing. Allele origin: germline. Not counted in ClinVar's aggregate classification.
Comment: This variant is classified as likely benign based on ACMG/AMP sequence variant interpretation guidelines (Richards et al. 2015 PMID: 25741868, with internal and published modifications).

NM_005645.4(TAF13):c.15A>G (p.Glu5=)

Gene: TAF13 (TATA-box binding protein associated factor 13; minus strand). Cytogenetic location: 1p13.3.
Variant type: single nucleotide variant.
Coding change: c.15A>G on transcript NM_005645.4 (MANE Select); coding-DNA position 15, A replaced by G.
Protein change: p.Glu5=; no amino-acid change (glutamic acid 5 retained).
Molecular consequence: synonymous variant.
Genome position (GRCh38, 1-based): chr1:109,075,933, T>C on the plus strand (A>G on the coding strand, the complement: TAF13 is on the minus strand). VCF-style: chr1-109075933-T-C. GRCh37 (hg19) VCF-style: chr1-109618555-T-C.
Other names: c.15A>G (NM_005645.3).
Identifiers: ClinVar variation 3026376 (VCV003026376.23), dbSNP rs201682049, ClinGen allele CA984408.